The following is an entry in ClinVar:

NM_000489.6(ATRX):c.1727C>A (p.Ser576Ter)

Gene: ATRX (ATRX chromatin remodeler; minus strand). Cytogenetic location: Xq21.1.
Variant type: single nucleotide variant.
Coding change: c.1727C>A on transcript NM_000489.6 (MANE Select); coding-DNA position 1727, C replaced by A.
Protein change: p.Ser576Ter; replaces serine 576 with a stop codon.
Molecular consequence: nonsense.
Genome position (GRCh38, 1-based): chrX:77,683,529, G>T on the plus strand (C>A on the coding strand, the complement: ATRX is on the minus strand). VCF-style: chrX-77683529-G-T. GRCh37 (hg19) VCF-style: chrX-76939021-G-T.
Other names: c.1613C>A, p.Ser538Ter (NM_138270.5); short protein forms S576*, S538*.
Identifiers: ClinVar variation 838105 (VCV000838105.15), dbSNP rs2071372283, ClinGen allele CA413716749.

ClinVar aggregate classification (germline): Pathogenic. Review status: criteria provided, multiple submitters, no conflicts (2 of 4 stars). 4 submissions from 4 submitters: Pathogenic (4). Last evaluated 2025-03-04.

Conditions:
Alpha thalassemia-X-linked intellectual disability syndrome (ATRX). Also called: ATR-X syndrome; Alpha thalassemia mental retardation syndrome, nondeletion type, X-linked; XLMR hypotonic face syndrome; ALPHA-THALASSEMIA/IMPAIRED INTELLECTUAL DEVELOPMENT SYNDROME, X-LINKED; ALPHA-THALASSEMIA/MENTAL RETARDATION SYNDROME, X-LINKED; ATR, NONDELETION TYPE. Identifiers: Orphanet 847, MedGen C1845055, MONDO:0010519, OMIM 301040.

Submissions (4):

Center for Genomic Medicine, Rigshospitalet, Copenhagen University Hospital
Classification: Pathogenic. Last evaluated: 2025-03-04. Review status: criteria provided, single submitter. Criteria: ACMG Guidelines, 2015. Collection method: clinical testing. Allele origin: germline.

Labcorp Genetics (formerly Invitae), Labcorp
Classification: Pathogenic for Alpha thalassemia-X-linked intellectual disability syndrome. Last evaluated: 2024-08-13. Review status: criteria provided, single submitter. Criteria: Invitae Variant Classification Sherloc (09022015). Collection method: clinical testing. Allele origin: germline.
Comment: This sequence change creates a premature translational stop signal (p.Ser576*) in the ATRX gene. It is expected to result in an absent or disrupted protein product. Loss-of-function variants in ATRX are known to be pathogenic (PMID: 15591283, 18409179, 23681356). This variant is not present in population databases (gnomAD no frequency). This premature translational stop signal has been observed in individual(s) with alpha-thalassemia X-linked intellectual disability syndrome (PMID: 16763962, 32170002). ClinVar contains an entry for this variant (Variation ID: 838105). For these reasons, this variant has been classified as Pathogenic.

Women's Health and Genetics/Laboratory Corporation of America, LabCorp
Classification: Pathogenic for Alpha thalassemia-X-linked intellectual disability syndrome. Last evaluated: 2024-07-11. Review status: criteria provided, single submitter. Criteria: LabCorp Variant Classification Summary - May 2015. Collection method: clinical testing. Allele origin: germline.
Comment: Variant summary: ATRX c.1727C>A (p.Ser576X) results in a premature termination codon, predicted to cause absence of the protein due to nonsense mediated decay, which is a commonly known mechanism for disease. The variant was absent in 182106 control chromosomes (gnomAD). c.1727C>A has been reported in the literature in individuals affected with ATR-X Syndrome (e.g. Vaisfeld_2022). The following publication has been ascertained in the context of this evaluation (PMID: 36292677). ClinVar contains an entry for this variant (Variation ID: 838105). Based on the evidence outlined above, the variant was classified as pathogenic.

Institute of Medical Genetics and Applied Genomics, University Hospital Tübingen
Classification: Pathogenic. Last evaluated: 2020-10-23. Review status: criteria provided, single submitter. Criteria: ACMG Guidelines, 2015. Collection method: clinical testing. Allele origin: germline. Inheritance: X-linked inheritance. Affected: yes.

Literature cited by the submitters: PubMed 18409179 (cited by Center for Genomic Medicine, Rigshospitalet, Copenhagen University Hospital and Labcorp Genetics (formerly Invitae), Labcorp); PubMed 36292677 (cited by Center for Genomic Medicine, Rigshospitalet, Copenhagen University Hospital and Women's Health and Genetics/Laboratory Corporation of America, LabCorp); PubMed 35904121 (cited by Center for Genomic Medicine, Rigshospitalet, Copenhagen University Hospital); PubMed 15591283 (cited by Labcorp Genetics (formerly Invitae), Labcorp); PubMed 23681356 (cited by Labcorp Genetics (formerly Invitae), Labcorp); PubMed 16763962 (cited by Labcorp Genetics (formerly Invitae), Labcorp); PubMed 32170002 (cited by Labcorp Genetics (formerly Invitae), Labcorp).